The following is an entry in ClinVar:

NM_024301.5(FKRP):c.881C>A (p.Thr294Lys)

Gene: FKRP (fukutin related protein; plus strand). Cytogenetic location: 19q13.32.
Variant type: single nucleotide variant.
Coding change: c.881C>A on transcript NM_024301.5 (MANE Select); coding-DNA position 881, C replaced by A.
Protein change: p.Thr294Lys; replaces threonine 294 with lysine.
Molecular consequence: missense variant.
Genome position (GRCh38, 1-based): chr19:46,756,331, C>A. VCF-style: chr19-46756331-C-A. GRCh37 (hg19) VCF-style: chr19-47259588-C-A.
Other names: c.881C>A, p.Thr294Lys (NM_001039885.3); short protein forms T294K.
Identifiers: ClinVar variation 1306894 (VCV001306894.7), dbSNP rs1333089122, ClinGen allele CA406496207.

ClinVar aggregate classification (germline): Uncertain significance. Review status: criteria provided, multiple submitters, no conflicts (2 of 4 stars). 3 submissions from 3 submitters: Uncertain significance (3). Last evaluated 2025-09-29.

Conditions:
Muscular dystrophy-dystroglycanopathy (congenital with brain and eye anomalies), type A1 (MDDGA1). Also called: COD-MD SYNDROME; Muscular dystrophy-dystroglycanopathy (congenital with brain and eye anomalies), type A, 1; WALKER-WARBURG SYNDROME OR MUSCLE-EYE-BRAIN DISEASE, POMT1-RELATED; Hydrocephalus, agyria and retinal dysplasia; Hard +/- E syndrome; Warburg syndrome. Identifiers: Orphanet 588, Orphanet 899, MedGen C4284790, MONDO:0009364, OMIM 236670.
Muscular dystrophy-dystroglycanopathy type B5 (MDDGB5). Also called: MUSCULAR DYSTROPHY-DYSTROGLYCANOPATHY (CONGENITAL WITH OR WITHOUT IMPAIRED INTELLECTUAL DEVELOPMENT), TYPE B, 5; MUSCULAR DYSTROPHY, CONGENITAL, 1C; MUSCULAR DYSTROPHY, CONGENITAL, FKRP-RELATED. Identifiers: MedGen C1847759, MONDO:0011688, OMIM 606612.
Autosomal recessive limb-girdle muscular dystrophy type 2I. Also called: MUSCULAR DYSTROPHY-DYSTROGLYCANOPATHY (LIMB-GIRDLE), TYPE C, 5; MUSCULAR DYSTROPHY, LIMB-GIRDLE, TYPE 2I; MUSCULAR DYSTROPHY-DYSTROGLYCANOPATHY, LIMB-GIRDLE, FRKP-RELATED. Identifiers: Orphanet 34515, MedGen C1846672, MONDO:0011787, OMIM 607155.
Muscular dystrophy-dystroglycanopathy (congenital with brain and eye anomalies), type A5. Also called: MUSCULAR DYSTROPHY-DYSTROGLYCANOPATHY (CONGENITAL WITH BRAIN AND EYE ANOMALIES), TYPE A, 5; WALKER-WARBURG SYNDROME OR MUSCLE-EYE-BRAIN DISEASE, FKRP-RELATED. Identifiers: Orphanet 588, Orphanet 899, MedGen C3150413, MONDO:0013157, OMIM 613153.
Walker-Warburg congenital muscular dystrophy. Also called: Muscular dystrophy-dystroglycanopathy, type A; Walker-Warburg syndrome. Identifiers: Orphanet 899, MedGen C0265221, MONDO:0000171.

gnomAD v4.1: 1 of 1,556,310 alleles (0.000064%); no homozygotes.

Submissions (3):

Labcorp Genetics (formerly Invitae), Labcorp
Classification: Uncertain significance for Walker-Warburg congenital muscular dystrophy. Last evaluated: 2025-09-29. Review status: criteria provided, single submitter. Criteria: Invitae Variant Classification Sherloc (09022015). Collection method: clinical testing. Allele origin: germline.
Comment: This sequence change replaces threonine, which is neutral and polar, with lysine, which is basic and polar, at codon 294 of the FKRP protein (p.Thr294Lys). This variant is not present in population databases (gnomAD no frequency). This variant has not been reported in the literature in individuals affected with FKRP-related conditions. ClinVar contains an entry for this variant (Variation ID: 1306894). Invitae Evidence Modeling of protein sequence and biophysical properties (such as structural, functional, and spatial information, amino acid conservation, physicochemical variation, residue mobility, and thermodynamic stability) indicates that this missense variant is not expected to disrupt FKRP protein function with a negative predictive value of 95%. In summary, the available evidence is currently insufficient to determine the role of this variant in disease. Therefore, it has been classified as a Variant of Uncertain Significance.

Fulgent Genetics
Classification: Uncertain significance for Muscular dystrophy-dystroglycanopathy (congenital with brain and eye anomalies), type A1; Muscular dystrophy-dystroglycanopathy type B5; Autosomal recessive limb-girdle muscular dystrophy type 2I; Muscular dystrophy-dystroglycanopathy (congenital with brain and eye anomalies), type A5. Last evaluated: 2021-11-21. Review status: criteria provided, single submitter. Criteria: ACMG Guidelines, 2015. Collection method: clinical testing. Allele origin: unknown.

GeneDx
Classification: Uncertain significance. Last evaluated: 2019-07-01. Review status: criteria provided, single submitter. Criteria: GeneDx Variant Classification Process June 2021. Collection method: clinical testing. Allele origin: germline. Affected: yes.
Comment: Not observed in large population cohorts (Lek et al., 2016); The majority of missense variants in this gene are considered pathogenic [Stenson et al., 2014]; In silico analysis, which includes protein predictors and evolutionary conservation, supports that this variant does not alter protein structure/function; Has not been previously published as pathogenic or benign to our knowledge